The following is an entry in ClinVar:

ClinVar aggregate classification (germline): Uncertain significance. Review status: criteria provided, multiple submitters, no conflicts (2 of 4 stars). 2 submissions from 2 submitters: Uncertain significance (2). Last evaluated 2025-11-20.

Conditions:
Inborn genetic diseases. Identifiers: MedGen C0950123, MeSH D030342.
Primary ciliary dyskinesia. Also called: Ciliary dyskinesia. Identifiers: Orphanet 244, MedGen C0008780, MONDO:0016575, HP:0012265.

Allele frequency attached by ClinVar (database versions not stated): ExAC 0.00001; gnomAD exomes 0.00002 and 0.00006; gnomAD 0.00003; TOPMed 0.00003.
gnomAD v4.1: 88 of 1,613,958 alleles (0.0055%); highest among the groups gnomAD compares: Non-Finnish European, 0.0071%; no homozygotes.

Submissions (2):

Ambry Genetics
Classification: Uncertain significance for Inborn genetic diseases. Last evaluated: 2025-11-20. Review status: criteria provided, single submitter. Criteria: Ambry Variant Classification Scheme 2023. Collection method: clinical testing. Allele origin: germline.

Labcorp Genetics (formerly Invitae), Labcorp
Classification: Uncertain significance for Primary ciliary dyskinesia. Last evaluated: 2024-06-22. Review status: criteria provided, single submitter. Criteria: Invitae Variant Classification Sherloc (09022015). Collection method: clinical testing. Allele origin: germline.
Comment: This sequence change replaces tryptophan, which is neutral and slightly polar, with arginine, which is basic and polar, at codon 677 of the DRC1 protein (p.Trp677Arg). This variant is present in population databases (rs765669218, gnomAD 0.004%). This variant has not been reported in the literature in individuals affected with DRC1-related conditions. ClinVar contains an entry for this variant (Variation ID: 566395). An algorithm developed to predict the effect of missense changes on protein structure and function (PolyPhen-2) suggests that this variant is likely to be disruptive. In summary, the available evidence is currently insufficient to determine the role of this variant in disease. Therefore, it has been classified as a Variant of Uncertain Significance.

NM_145038.5(DRC1):c.2029T>C (p.Trp677Arg)

Gene: DRC1 (dynein regulatory complex subunit 1; plus strand). Cytogenetic location: 2p23.3.
Variant type: single nucleotide variant.
Coding change: c.2029T>C on transcript NM_145038.5 (MANE Select); coding-DNA position 2029, T replaced by C.
Protein change: p.Trp677Arg; replaces tryptophan 677 with arginine.
Molecular consequence: missense variant.
Genome position (GRCh38, 1-based): chr2:26,454,756, T>C. VCF-style: chr2-26454756-T-C. GRCh37 (hg19) VCF-style: chr2-26677624-T-C.
Other names: c.2029T>C (NM_145038.2); short protein forms W677R.
Identifiers: ClinVar variation 566395 (VCV000566395.9), dbSNP rs765669218, ClinGen allele CA1562475.